The following is an entry in ClinVar:

NM_080916.3(DGUOK):c.707A>G (p.Lys236Arg)

Gene: DGUOK (deoxyguanosine kinase; plus strand). Cytogenetic location: 2p13.1.
Variant type: single nucleotide variant.
Coding change: c.707A>G on transcript NM_080916.3 (MANE Select); coding-DNA position 707, A replaced by G.
Protein change: p.Lys236Arg; replaces lysine 236 with arginine.
Molecular consequence: missense variant. On other transcripts: non-coding transcript variant (1), intron variant (2).
Genome position (GRCh38, 1-based): chr2:73,957,240, A>G. VCF-style: chr2-73957240-A-G. GRCh37 (hg19) VCF-style: chr2-74184367-A-G.
Other names: c.416A>G, p.Lys139Arg (NM_001318860.2, NM_001318861.2); c.398A>G, p.Lys133Arg (NM_001318862.2, NM_001318863.2); c.444-906A>G (NM_080918.3); c.426-906A>G (NM_001318859.2); short protein forms K133R, K139R, K236R.
Identifiers: ClinVar variation 1517981 (VCV001517981.6), dbSNP rs2105001965, ClinGen allele CA347301822.

ClinVar aggregate classification (germline): Uncertain significance (1 of 4 stars; one submission).

Submission:

Labcorp Genetics (formerly Invitae), Labcorp
Classification: Uncertain significance. Last evaluated: 2021-10-25. Review status: criteria provided, single submitter. Criteria: Invitae Variant Classification Sherloc (09022015). Collection method: clinical testing. Allele origin: germline.
Comment: In summary, the available evidence is currently insufficient to determine the role of this variant in disease. Therefore, it has been classified as a Variant of Uncertain Significance. This sequence change replaces lysine, which is basic and polar, with arginine, which is basic and polar, at codon 236 of the DGUOK protein (p.Lys236Arg). This variant is not present in population databases (gnomAD no frequency). This variant has not been reported in the literature in individuals affected with DGUOK-related conditions. Algorithms developed to predict the effect of missense changes on protein structure and function (SIFT, PolyPhen-2, Align-GVGD) all suggest that this variant is likely to be tolerated. Algorithms developed to predict the effect of sequence changes on RNA splicing suggest that this variant may create or strengthen a splice site.